The following is an entry in ClinVar:

ClinVar aggregate classification (germline): Uncertain significance (1 of 4 stars; one submission).

Conditions:
Congenital myasthenic syndrome 4A. Also called: CONGENITAL MYASTHENIC SYNDROME TYPE Ia1; Myasthenic syndrome, congenital, 4a, slow-channel; MYASTHENIC SYNDROME, CONGENITAL, 4A, SLOW-CHANNEL, AUTOSOMAL RECESSIVE. Identifiers: Orphanet 590, MedGen C4225413, MONDO:0011600, OMIM 605809.

gnomAD v4.1: 2 of 1,613,984 alleles (0.00012%); highest among the groups gnomAD compares: East Asian, 0.0022%; no homozygotes.

Submission:

Labcorp Genetics (formerly Invitae), Labcorp
Classification: Uncertain significance for Congenital myasthenic syndrome 4A. Last evaluated: 2024-06-28. Review status: criteria provided, single submitter. Criteria: Invitae Variant Classification Sherloc (09022015). Collection method: clinical testing. Allele origin: germline.
Comment: This sequence change replaces alanine, which is neutral and non-polar, with valine, which is neutral and non-polar, at codon 149 of the CHRNE protein (p.Ala149Val). This variant is not present in population databases (gnomAD no frequency). This variant has not been reported in the literature in individuals affected with CHRNE-related conditions. Advanced modeling of protein sequence and biophysical properties (such as structural, functional, and spatial information, amino acid conservation, physicochemical variation, residue mobility, and thermodynamic stability) performed at Invitae indicates that this missense variant is not expected to disrupt CHRNE protein function with a negative predictive value of 80%. In summary, the available evidence is currently insufficient to determine the role of this variant in disease. Therefore, it has been classified as a Variant of Uncertain Significance.

NM_000080.4(CHRNE):c.446C>T (p.Ala149Val)

Genes: C17orf107 (chromosome 17 open reading frame 107; plus strand), CHRNE (cholinergic receptor nicotinic epsilon subunit; minus strand). Cytogenetic location: 17p13.2.
Variant type: single nucleotide variant.
Coding change: c.446C>T on transcript NM_000080.4 (MANE Select); coding-DNA position 446, C replaced by T.
Protein change: p.Ala149Val; replaces alanine 149 with valine.
Molecular consequence: missense variant. On other transcripts: 3 prime UTR variant (1).
Genome position (GRCh38, 1-based): chr17:4,901,986, G>A on the plus strand (C>T on the coding strand, the complement: CHRNE is on the minus strand). VCF-style: chr17-4901986-G-A. GRCh37 (hg19) VCF-style: chr17-4805281-G-A.
Other names: c.*1453G>A (NM_001145536.2); short protein forms A149V.
Identifiers: ClinVar variation 3699690 (VCV003699690.2).